The following is an entry in ClinVar:

NM_006218.4(PIK3CA):c.25G>C (p.Glu9Gln)

Gene: PIK3CA (phosphatidylinositol-4,5-bisphosphate 3-kinase catalytic subunit alpha; plus strand). Cytogenetic location: 3q26.32.
Variant type: single nucleotide variant.
Coding change: c.25G>C on transcript NM_006218.4 (MANE Select); coding-DNA position 25, G replaced by C.
Protein change: p.Glu9Gln; replaces glutamic acid 9 with glutamine.
Molecular consequence: missense variant.
Genome position (GRCh38, 1-based): chr3:179,198,850, G>C. VCF-style: chr3-179198850-G-C. GRCh37 (hg19) VCF-style: chr3-178916638-G-C.
Other names: short protein forms E9Q.
Identifiers: ClinVar variation 4538133 (VCV004538133.1).

ClinVar aggregate classification (germline): Uncertain significance (1 of 4 stars; one submission).

Submission:

GeneDx
Classification: Uncertain significance. Last evaluated: 2025-06-09. Review status: criteria provided, single submitter. Criteria: GeneDx Variant Classification Process June 2021. Collection method: clinical testing. Allele origin: germline. Affected: yes.
Comment: Not observed at significant frequency in large population cohorts (gnomAD); In silico analysis supports that this missense variant has a deleterious effect on protein structure/function; Has not been previously published as pathogenic or benign to our knowledge